The following is an entry in ClinVar:

ClinVar aggregate classification (germline): Uncertain significance (1 of 4 stars; one submission).

Submission:

Ambry Genetics
Classification: Uncertain significance. Last evaluated: 2025-12-11. Review status: criteria provided, single submitter. Criteria: Ambry Variant Classification Scheme 2023. Collection method: clinical testing. Allele origin: germline.
Comment: The p.A807S variant (also known as c.2419G>T), located in coding exon 13 of the GEN1 gene, results from a G to T substitution at nucleotide position 2419. The alanine at codon 807 is replaced by serine, an amino acid with similar properties. This amino acid position is conserved. In addition, this alteration is predicted to be tolerated by in silico analysis. Based on the available evidence, the clinical significance of this variant remains unclear.

NM_001130009.3(GEN1):c.2419G>T (p.Ala807Ser)

Gene: GEN1 (GEN1 structure-specific endonuclease; plus strand). Cytogenetic location: 2p24.2.
Variant type: single nucleotide variant.
Coding change: c.2419G>T on transcript NM_001130009.3 (MANE Select); coding-DNA position 2419, G replaced by T.
Protein change: p.Ala807Ser; replaces alanine 807 with serine.
Molecular consequence: missense variant.
Genome position (GRCh38, 1-based): chr2:17,781,631, G>T. VCF-style: chr2-17781631-G-T. GRCh37 (hg19) VCF-style: chr2-17962898-G-T.
Other names: c.2419G>T, p.Ala807Ser (NM_182625.5); short protein forms A807S.
Identifiers: ClinVar variation 4671528 (VCV004671528.1).
Genomic context (GRCh38, chr2:17,781,631, plus strand): 5'-CGGAAAATTTTAATGAAGAAGAGTGTTTGCCTTGACAGACATTCCTCTGATGAACAAAGT[G>T]CCCCAGTGTTTGGGAAAGCTAAGTACACAACTCAAAGAATGAAGCACAGTTCTCAAAAGC-3'
Protein context (NP_001123481.3, residues 797-817): LDRHSSDEQS[Ala807Ser]PVFGKAKYTT